The following is an entry in ClinVar:

NM_014834.4(LRRC37A):c.3708G>C (p.Ser1236=)

Genes: ARL17B (ARF like GTPase 17B; minus strand), LRRC37A (leucine rich repeat containing 37A). Cytogenetic location: 17q21.31.
Variant type: single nucleotide variant.
Coding change: c.3708G>C on transcript NM_014834.4 (MANE Select); coding-DNA position 3708, G replaced by C.
Protein change: p.Ser1236=; no amino-acid change (serine 1236 retained).
Molecular consequence: synonymous variant. On other transcripts: intron variant (4).
Genome position (GRCh38, 1-based): chr17:46,330,985, G>C. VCF-style: chr17-46330985-G-C. GRCh37 (hg19) VCF-style: chr17-44408351-G-C.
Other names: c.259+21835C>G (NM_001103154.2, NM_001352769.1); c.260-387C>G (NM_001330240.1); c.526-387C>G (NM_001363805.1).
Identifiers: ClinVar variation 5038780 (VCV005038780.1).

ClinVar aggregate classification (germline): Likely benign (1 of 4 stars; one submission).

gnomAD v4.1: 1,416 of 721,806 alleles (0.2%); highest among the groups gnomAD compares: African/African-American, 0.99%; 346 homozygotes.

Submission:

CeGaT Center for Human Genetics Tuebingen
Classification: Likely benign. Last evaluated: 2026-07-01. Review status: criteria provided, single submitter. Criteria: CeGaT Center For Human Genetics Tuebingen Variant Classification Criteria Version 2. Collection method: clinical testing. Allele origin: germline. Affected: yes. Observed: 1 variant allele.
Comment: LRRC37A: BP4, BP7, BS2